The following is an entry in ClinVar:

ClinVar aggregate classification (germline): Likely benign (0 of 4 stars; one submission).

Conditions:
FHOD3-related disorder. Also called: FHOD3-related condition.

gnomAD v4.1: 85 of 1,613,484 alleles (0.0053%); highest among the groups gnomAD compares: Non-Finnish European, 0.0068%; no homozygotes.

Submission:

PreventionGenetics, part of Exact Sciences
Classification: Likely benign for FHOD3-related condition. Last evaluated: 2023-11-16. Review status: no assertion criteria provided. Collection method: clinical testing. Allele origin: germline.
Comment: This variant is classified as likely benign based on ACMG/AMP sequence variant interpretation guidelines (Richards et al. 2015 PMID: 25741868, with internal and published modifications).

NM_001281740.3(FHOD3):c.336C>A (p.Ile112=)

Gene: FHOD3 (formin homology 2 domain containing 3; plus strand). Cytogenetic location: 18q12.2.
Variant type: single nucleotide variant.
Coding change: c.336C>A on transcript NM_001281740.3 (MANE Select); coding-DNA position 336, C replaced by A.
Protein change: p.Ile112=; no amino-acid change (isoleucine 112 retained).
Molecular consequence: synonymous variant.
Genome position (GRCh38, 1-based): chr18:36,372,743, C>A. VCF-style: chr18-36372743-C-A. GRCh37 (hg19) VCF-style: chr18-33952706-C-A.
Other names: c.336C>A, p.Ile112= (NM_001281739.3, NM_025135.5).
Identifiers: ClinVar variation 3032863 (VCV003032863.2), dbSNP rs200738813, ClinGen allele CA8941230.